The following is an entry in ClinVar:

NM_018489.3(ASH1L):c.4928G>C (p.Arg1643Pro)

Gene: ASH1L (ASH1 like histone lysine methyltransferase; minus strand). Cytogenetic location: 1q22.
Variant type: single nucleotide variant.
Coding change: c.4928G>C on transcript NM_018489.3 (MANE Select); coding-DNA position 4928, G replaced by C.
Protein change: p.Arg1643Pro; replaces arginine 1643 with proline.
Molecular consequence: missense variant.
Genome position (GRCh38, 1-based): chr1:155,477,942, C>G on the plus strand (G>C on the coding strand, the complement: ASH1L is on the minus strand). VCF-style: chr1-155477942-C-G. GRCh37 (hg19) VCF-style: chr1-155447733-C-G.
Other names: c.4928G>C, p.Arg1643Pro (NM_001366177.2); short protein forms R1643P.
Identifiers: ClinVar variation 3372649 (VCV003372649.1).

ClinVar aggregate classification (germline): Uncertain significance (1 of 4 stars; one submission).

Submission:

GeneDx
Classification: Uncertain significance. Last evaluated: 2024-04-17. Review status: criteria provided, single submitter. Criteria: GeneDx Variant Classification Process June 2021. Collection method: clinical testing. Allele origin: germline. Affected: yes.
Comment: Not observed at significant frequency in large population cohorts (gnomAD); In silico analysis indicates that this missense variant does not alter protein structure/function; Has not been previously published as pathogenic or benign to our knowledge